The following is an entry in ClinVar:

ClinVar aggregate classification (germline): Uncertain significance (1 of 4 stars; one submission).

gnomAD v4.1: 2 of 1,613,834 alleles (0.00012%); highest among the groups gnomAD compares: Non-Finnish European, 0.00017%; no homozygotes.

Submission:

GeneDx
Classification: Uncertain significance. Last evaluated: 2019-06-03. Review status: criteria provided, single submitter. Criteria: GeneDx Variant Classification Process June 2021. Collection method: clinical testing. Allele origin: germline. Affected: yes.
Comment: Not observed in large population cohorts (Lek et al., 2016); In silico analysis, which includes protein predictors and evolutionary conservation, supports that this variant does not alter protein structure/function; Has not been previously published as pathogenic or benign to our knowledge

NM_001379286.1(ZNF423):c.395A>G (p.Asp132Gly)

Gene: ZNF423 (zinc finger protein 423; minus strand). Cytogenetic location: 16q12.1.
Variant type: single nucleotide variant.
Coding change: c.395A>G on transcript NM_001379286.1 (MANE Select); coding-DNA position 395, A replaced by G.
Protein change: p.Asp132Gly; replaces aspartic acid 132 with glycine.
Molecular consequence: missense variant.
Genome position (GRCh38, 1-based): chr16:49,638,781, T>C on the plus strand (A>G on the coding strand, the complement: ZNF423 is on the minus strand). VCF-style: chr16-49638781-T-C. GRCh37 (hg19) VCF-style: chr16-49672692-T-C.
Other names: c.191A>G, p.Asp64Gly (NM_001271620.2); c.20A>G, p.Asp7Gly (NM_001330533.2); c.371A>G, p.Asp124Gly (NM_015069.5); short protein forms D124G, D132G, D64G, D7G.
Identifiers: ClinVar variation 1302934 (VCV001302934.2), dbSNP rs2151888050, ClinGen allele CA395852581.